The following is an entry in ClinVar:

ClinVar aggregate classification (germline): Uncertain significance. Review status: criteria provided, multiple submitters, no conflicts (2 of 4 stars). 2 submissions from 2 submitters: Uncertain significance (2). Last evaluated 2022-06-10.

Conditions:
Nemaline myopathy 2 (NEM2). Also called: Nemaline myopathy 2, autosomal recessive. Identifiers: MedGen C1850569, MONDO:0009725, OMIM 256030.

Allele frequency attached by ClinVar (database versions not stated): gnomAD exomes below 0.00001; TOPMed below 0.00001.
gnomAD v4.1: 1 of 1,613,768 alleles (0.000062%); highest among the groups gnomAD compares: Admixed American, 0.0017%; no homozygotes.

Submissions (2):

GeneDx
Classification: Uncertain significance. Last evaluated: 2022-06-10. Review status: criteria provided, single submitter. Criteria: GeneDx Variant Classification Process June 2021. Collection method: clinical testing. Allele origin: germline. Affected: yes.
Comment: Not observed at significant frequency in large population cohorts (gnomAD); In silico analysis supports that this missense variant does not alter protein structure/function; Has not been previously published as pathogenic or benign to our knowledge

Labcorp Genetics (formerly Invitae), Labcorp
Classification: Uncertain significance for Nemaline myopathy 2. Last evaluated: 2021-10-09. Review status: criteria provided, single submitter. Criteria: Invitae Variant Classification Sherloc (09022015). Collection method: clinical testing. Allele origin: germline.
Comment: This sequence change replaces tyrosine with histidine at codon 2447 of the NEB protein (p.Tyr2447His). The tyrosine residue is moderately conserved and there is a moderate physicochemical difference between tyrosine and histidine. This variant is not present in population databases (ExAC no frequency). This variant has not been reported in the literature in individuals affected with NEB-related conditions. Algorithms developed to predict the effect of missense changes on protein structure and function are either unavailable or do not agree on the potential impact of this missense change (SIFT: "Deleterious"; PolyPhen-2: "Not Available"; Align-GVGD: "Class C0"). In summary, the available evidence is currently insufficient to determine the role of this variant in disease. Therefore, it has been classified as a Variant of Uncertain Significance.

NM_001164508.2(NEB):c.7339T>C (p.Tyr2447His)

Gene: NEB (nebulin; minus strand). Cytogenetic location: 2q23.3.
Variant type: single nucleotide variant.
Coding change: c.7339T>C on transcript NM_001164508.2 (MANE Select); coding-DNA position 7339, T replaced by C.
Protein change: p.Tyr2447His; replaces tyrosine 2447 with histidine.
Molecular consequence: missense variant.
Genome position (GRCh38, 1-based): chr2:151,650,268, A>G on the plus strand (T>C on the coding strand, the complement: NEB is on the minus strand). VCF-style: chr2-151650268-A-G. GRCh37 (hg19) VCF-style: chr2-152506782-A-G.
Other names: c.7339T>C, p.Tyr2447His (NM_001164507.2, NM_001271208.2, NM_004543.5); short protein forms Y2447H.
Identifiers: ClinVar variation 1803591 (VCV001803591.3), dbSNP rs1160496287, ClinGen allele CA348788108.